The following is an entry in ClinVar:

NM_001378477.3(NYX):c.1364_1378del (p.Phe455_Ser459del)

Gene: NYX (nyctalopin; plus strand). Cytogenetic location: Xp11.4.
Variant type: Deletion.
Coding change: c.1364_1378del on transcript NM_001378477.3 (MANE Select); coding-DNA positions 1364 to 1378, 15 bases deleted (TTCTCCTCGCCTCTT).
Protein change: p.Phe455_Ser459del.
Molecular consequence: inframe deletion.
Genome position (GRCh38, 1-based): chrX:41,474,832-41,474,846, TTCTCCTCGCCTCTT deleted; deleting any 15 consecutive bases within chrX:41,474,831-41,474,846 gives the same sequence; the c. name uses the placement nearest the transcript's 3' end. VCF-style (leftmost placement, unchanged base first): chrX-41474830-GTTTCTCCTCGCCTCT-G. GRCh37 (hg19) VCF-style: chrX-41334083-GTTTCTCCTCGCCTCT-G.
Other names: c.1364_1378del, p.Phe455_Ser459del (NM_022567.3).
Identifiers: ClinVar variation 1377408 (VCV001377408.8), dbSNP rs2147026766, ClinGen allele CA2573158859.

ClinVar aggregate classification (germline): Uncertain significance (1 of 4 stars; one submission).

Submission:

Labcorp Genetics (formerly Invitae), Labcorp
Classification: Uncertain significance. Last evaluated: 2023-03-08. Review status: criteria provided, single submitter. Criteria: Invitae Variant Classification Sherloc (09022015). Collection method: clinical testing. Allele origin: germline.
Comment: In summary, the available evidence is currently insufficient to determine the role of this variant in disease. Therefore, it has been classified as a Variant of Uncertain Significance. Experimental studies and prediction algorithms are not available or were not evaluated, and the functional significance of this variant is currently unknown. ClinVar contains an entry for this variant (Variation ID: 1377408). This variant has been observed in individual(s) with night blindness (Invitae). It has also been observed to segregate with disease in related individuals. This variant is not present in population databases (gnomAD no frequency). This variant, c.1379_1393del, results in the deletion of 5 amino acid(s) of the NYX protein (p.Phe460_Ser464del), but otherwise preserves the integrity of the reading frame.